The following is an entry in ClinVar:

NM_001042492.3(NF1):c.3299C>A (p.Ser1100Ter)

Gene: NF1 (neurofibromin 1; plus strand). Cytogenetic location: 17q11.2.
Variant type: single nucleotide variant.
Coding change: c.3299C>A on transcript NM_001042492.3 (MANE Select); coding-DNA position 3299, C replaced by A.
Protein change: p.Ser1100Ter; replaces serine 1100 with a stop codon.
Molecular consequence: nonsense.
Genome position (GRCh38, 1-based): chr17:31,232,174, C>A. VCF-style: chr17-31232174-C-A. GRCh37 (hg19) VCF-style: chr17-29559192-C-A.
Other names: c.3299C>A, p.Ser1100Ter (NM_000267.4); short protein forms S1100*.
Identifiers: ClinVar variation 952266 (VCV000952266.10), dbSNP rs2067124341, ClinGen allele CA398988909.

ClinVar aggregate classification (germline): Pathogenic. Review status: criteria provided, multiple submitters, no conflicts (2 of 4 stars). 6 submissions from 6 submitters: Pathogenic (6). Last evaluated 2026-10-06.

Conditions:
Neurofibromatosis, type 1 (NF1). Also called: Peripheral type neurofibromatosis; Neurofibromatosis, type I; VON RECKLINGHAUSEN DISEASE; NEUROFIBROMATOSIS, TYPE I, SOMATIC. Identifiers: Orphanet 636, MedGen C0027831, MONDO:0018975, OMIM 162200. Disease mechanism: loss of function.
Neurofibromatosis-Noonan syndrome (NFNS). Also called: NEUROFIBROMATOSIS WITH NOONAN PHENOTYPE. Identifiers: Orphanet 638, MedGen C2931482, MONDO:0011035, OMIM 601321. Disease mechanism: loss of function.

Submissions (6):

NHS Central & South Genomic Laboratory Hub
Classification: Pathogenic for Neurofibromatosis type 1. Last evaluated: 2026-10-06. Review status: criteria provided, single submitter. Criteria: ACMG Guidelines, 2015. Collection method: clinical testing. Allele origin: germline. Affected: yes.

Dasa
Classification: Pathogenic. Last evaluated: 2026-01-12. Review status: criteria provided, single submitter. Criteria: DASA Assertion Criteria. Collection method: clinical testing. Allele origin: germline.
Comment: NM_001042492.3(NF1):c.3299C>A (p.Ser1100*) introduces a premature termination codon predicted to result in loss of normal protein function. Loss-of-function is an established mechanism of disease for this gene. This variant has been reported in individuals with related phenotype (PMID: 37087941). The variant is present at low frequency in population datasets. Based on the available data, this variant is classified as pathogenic.

Labcorp Genetics (formerly Invitae), Labcorp
Classification: Pathogenic for Neurofibromatosis, type 1. Last evaluated: 2022-09-08. Review status: criteria provided, single submitter. Criteria: Invitae Variant Classification Sherloc (09022015). Collection method: clinical testing. Allele origin: germline.
Comment: For these reasons, this variant has been classified as Pathogenic. ClinVar contains an entry for this variant (Variation ID: 952266). This variant has not been reported in the literature in individuals affected with NF1-related conditions. This variant is not present in population databases (gnomAD no frequency). This sequence change creates a premature translational stop signal (p.Ser1100*) in the NF1 gene. It is expected to result in an absent or disrupted protein product. Loss-of-function variants in NF1 are known to be pathogenic (PMID: 10712197, 23913538).

Mendelics
Classification: Pathogenic for Neurofibromatosis, type 1. Last evaluated: 2022-05-04. Review status: criteria provided, single submitter. Criteria: Mendelics Assertion Criteria 2019. Collection method: clinical testing. Allele origin: germline.

Genome-Nilou Lab
Classification: Pathogenic for Neurofibromatosis, type 1. Last evaluated: 2022-03-15. Review status: criteria provided, single submitter. Criteria: ACMG Guidelines, 2015. Collection method: clinical testing. Allele origin: germline. Affected: no.

Clinical Biomedical Laboratory, Shriners Hospital For Children - Canada
Classification: Pathogenic for Neurofibromatosis-Noonan syndrome. Review status: criteria provided, single submitter. Criteria: ACMG Guidelines, 2015. Collection method: clinical testing. Allele origin: germline. Affected: yes.
Comment: This variant is predicted to substitute a serine residue by a stop codon. This is expected to lead to degradation of the affected transcript and loss of function of the affected allele. This variant is absent from the Genome Aggregation Database (v2.1.1.), indicating it is very rare. Based on the ACMG variant interpretation guidelines (criteria: PVS1, PS3, PM2, PP4), the available evidence supports classification of this variant as pathogenic.

Literature cited by the submitters: PubMed 37087941 (cited by Dasa); PubMed 10712197 (cited by Labcorp Genetics (formerly Invitae), Labcorp); PubMed 23913538 (cited by Labcorp Genetics (formerly Invitae), Labcorp).